The following is an entry in ClinVar:

ClinVar aggregate classification (germline): Uncertain significance (1 of 4 stars; one submission).

Submission:

CeGaT Center for Human Genetics Tuebingen
Classification: Uncertain significance. Last evaluated: 2022-10-01. Review status: criteria provided, single submitter. Criteria: CeGaT Center For Human Genetics Tuebingen Variant Classification Criteria Version 2. Collection method: clinical testing. Allele origin: germline. Affected: yes. Observed: 1 variant allele.
Comment: PTPN23: PM2

NM_015466.4(PTPN23):c.464C>T (p.Ala155Val)

Gene: PTPN23 (protein tyrosine phosphatase non-receptor type 23; plus strand). Cytogenetic location: 3p21.31.
Variant type: single nucleotide variant.
Coding change: c.464C>T on transcript NM_015466.4 (MANE Select); coding-DNA position 464, C replaced by T.
Protein change: p.Ala155Val; replaces alanine 155 with valine.
Molecular consequence: missense variant.
Genome position (GRCh38, 1-based): chr3:47,405,964, C>T. VCF-style: chr3-47405964-C-T. GRCh37 (hg19) VCF-style: chr3-47447454-C-T.
Other names: c.86C>T, p.Ala29Val (NM_001304482.2); short protein forms A155V, A29V.
Identifiers: ClinVar variation 2653755 (VCV002653755.24), dbSNP rs2546238981, ClinGen allele CA352543175.